The following is an entry in ClinVar:

NM_000274.4(OAT):c.198_199+6delinsTTAA

Gene: OAT (ornithine aminotransferase; minus strand). Cytogenetic location: 10q26.13.
Variant type: Indel.
Coding change: c.198_199+6delinsTTAA on transcript NM_000274.4 (MANE Select); coding-DNA position 198 through 6 bases into the intron after coding-DNA position 199, AGGTACGT replaced by TTAA.
Molecular consequence: splice donor variant. On other transcripts: intron variant (2).
Genome position (GRCh38, 1-based): chr10:124,411,967-124,411,974, ACGTACCT replaced by TTAA on the plus strand (AGGTACGT replaced by TTAA on the coding strand, the reverse complement: OAT is on the minus strand). VCF-style: chr10-124411967-ACGTACCT-TTAA. GRCh37 (hg19) VCF-style: chr10-126100536-ACGTACCT-TTAA.
Other names: c.198_199+6delinsTTAA (NM_001322965.2, NM_001322971.2, NM_001322969.2 and 4 more transcripts); c.-215-3009_-215-3002delinsTTAA (NM_001171814.2); c.-515-3009_-515-3002delinsTTAA (NM_001322974.2).
Identifiers: ClinVar variation 456520 (VCV000456520.5), dbSNP rs1554867698, ClinGen allele CA658658020.

ClinVar aggregate classification (germline): Likely pathogenic (1 of 4 stars; one submission).

Conditions:
Ornithine aminotransferase deficiency (GACR). Also called: OAT DEFICIENCY; OKT DEFICIENCY; HYPERORNITHINEMIA WITH GYRATE ATROPHY OF CHOROID AND RETINA; Ornithine ketoacid aminotransferase deficiency; Gyrate atrophy; Gyrate atrophy of choroid and retina. Identifiers: Orphanet 414, MedGen C0018425, MONDO:0009796, OMIM 258870.

Submission:

Labcorp Genetics (formerly Invitae), Labcorp
Classification: Likely pathogenic for Ornithine aminotransferase deficiency. Last evaluated: 2016-09-15. Review status: criteria provided, single submitter. Criteria: Invitae Variant Classification Sherloc (09022015). Collection method: clinical testing. Allele origin: germline.
Comment: This sequence change deletes 9 nucleotides and inserts 5 nucleotides in exon 2 of the OAT mRNA (c.198_199+7delinsTTAAT). It affects the donor splice site in intron 2 of the OAT gene. It is expected to disrupt mRNA splicing and likely results in an absent or disrupted protein product. In summary, donor and acceptor splice site variants are typically loss-of-function (PMID: 16199547), and loss-of-function variants in OAT are known to be pathogenic (PMID: 23076989). However, without additional functional and/or genetic data, this variant has been classified as Likely Pathogenic. This variant has not been reported in the literature in individuals with a OAT-related disease.

Literature cited by the submitters: PubMed 16199547; PubMed 23076989.